The following is an entry in ClinVar:

ClinVar aggregate classification (germline): Uncertain significance (1 of 4 stars; one submission).

Submission:

Labcorp Genetics (formerly Invitae), Labcorp
Classification: Uncertain significance. Last evaluated: 2024-08-20. Review status: criteria provided, single submitter. Criteria: Invitae Variant Classification Sherloc (09022015). Collection method: clinical testing. Allele origin: germline.
Comment: This sequence change replaces glycine, which is neutral and non-polar, with arginine, which is basic and polar, at codon 2353 of the FLNB protein (p.Gly2353Arg). This variant is not present in population databases (gnomAD no frequency). This variant has not been reported in the literature in individuals affected with FLNB-related conditions. Invitae Evidence Modeling of protein sequence and biophysical properties (such as structural, functional, and spatial information, amino acid conservation, physicochemical variation, residue mobility, and thermodynamic stability) has been performed for this missense variant. However, the output from this modeling did not meet the statistical confidence thresholds required to predict the impact of this variant on FLNB protein function. In summary, the available evidence is currently insufficient to determine the role of this variant in disease. Therefore, it has been classified as a Variant of Uncertain Significance.

NM_001457.4(FLNB):c.7057G>C (p.Gly2353Arg)

Genes: FLNB (filamin B; plus strand), FLNB-AS1 (FLNB antisense RNA 1; minus strand). Cytogenetic location: 3p14.3.
Variant type: single nucleotide variant.
Coding change: c.7057G>C on transcript NM_001457.4 (MANE Select); coding-DNA position 7057, G replaced by C.
Protein change: p.Gly2353Arg; replaces glycine 2353 with arginine.
Molecular consequence: missense variant. On other transcripts: non-coding transcript variant (1).
Genome position (GRCh38, 1-based): chr3:58,163,189, G>C. VCF-style: chr3-58163189-G-C. GRCh37 (hg19) VCF-style: chr3-58148916-G-C.
Other names: c.7150G>C, p.Gly2384Arg (NM_001164317.2); c.7024G>C, p.Gly2342Arg (NM_001164318.2); c.6985G>C, p.Gly2329Arg (NM_001164319.2); short protein forms G2342R, G2384R, G2329R, G2353R.
Identifiers: ClinVar variation 3635755 (VCV003635755.2).
Genomic context (GRCh38, chr3:58,163,189, plus strand): 5'-CCTGTGCCTTTGCTCATTCTCCTAGATAAGTATGCTGTTCGCTTCATCCCTCATGAGAAT[G>C]GTGTCCACACCATCGATGTCAAGTTCAATGGGAGCCACGTGGTTGGAAGCCCCTTCAAAG-3'
Protein context (NP_001448.2, residues 2343-2363): YAVRFIPHEN[Gly2353Arg]VHTIDVKFNG